The following is an entry in ClinVar:

ClinVar aggregate classification (germline): Likely benign. Review status: criteria provided, multiple submitters, no conflicts (2 of 4 stars). 2 submissions from 2 submitters: Likely benign (2). Last evaluated 2026-06-08.

Conditions:
Tumor predisposition syndrome 2 (TPDS2). Also called: MBD4-ASSOCIATED NEOPLASIA SYNDROME; MBD4-Related Tumor Predisposition Syndrome; MBD4-associated neoplasia syndrome (MANS). Identifiers: Orphanet 661526, MedGen C5774186, MONDO:0859267, OMIM 619975.

Allele frequency attached by ClinVar (database versions not stated): gnomAD 0.00002; TOPMed 0.00002; ExAC 0.00003; gnomAD exomes 0.00004.
gnomAD v4.1: 52 of 1,588,544 alleles (0.0033%); highest among the groups gnomAD compares: Non-Finnish European, 0.0045%; no homozygotes.

Submissions (2):

Myriad Genetics, Inc.
Classification: Likely benign for Tumor predisposition syndrome 2. Last evaluated: 2026-06-08. Review status: criteria provided, single submitter. Criteria: Myriad Autosomal Dominant, Autosomal Recessive and X-Linked Classification Criteria (2023). Collection method: clinical testing. Allele origin: unknown.
Comment: This variant is considered likely benign. This variant is intronic and is not expected to impact mRNA splicing.

Labcorp Genetics (formerly Invitae), Labcorp
Classification: Likely benign. Last evaluated: 2025-11-05. Review status: criteria provided, single submitter. Criteria: Invitae Variant Classification Sherloc (09022015). Collection method: clinical testing. Allele origin: germline.

NM_001276270.2(MBD4):c.1184-20T>C

Gene: MBD4 (methyl-CpG binding domain 4, DNA glycosylase; minus strand). Cytogenetic location: 3q21.3.
Variant type: single nucleotide variant.
Coding change: c.1184-20T>C on transcript NM_001276270.2 (MANE Select); 20 bases into the intron before coding-DNA position 1184, T replaced by C.
Molecular consequence: intron variant.
Genome position (GRCh38, 1-based): chr3:129,434,156, A>G on the plus strand (T>C on the coding strand, the complement: MBD4 is on the minus strand). VCF-style: chr3-129434156-A-G. GRCh37 (hg19) VCF-style: chr3-129152999-A-G.
Other names: c.248-20T>C (NM_001276273.2); c.1202-20T>C (NM_001276272.2, NM_003925.3, NM_001276271.2).
Identifiers: ClinVar variation 2785091 (VCV002785091.4), dbSNP rs762252423, ClinGen allele CA2605389.